The following is an entry in ClinVar:

ClinVar aggregate classification (germline): Conflicting classifications of pathogenicity. Review status: criteria provided, conflicting classifications (1 of 4 stars). 2 submissions from 2 submitters: Uncertain significance (1); Likely benign (1). Last evaluated 2026-03-18.

Conditions:
CACNA1F-related disorder. Also called: CACNA1F-related condition.

Allele frequency attached by ClinVar (database versions not stated): gnomAD 0.00001; TOPMed 0.00002; gnomAD exomes 0.00003 and 0.00007; ExAC 0.00006; ESP Exome Variant Server 0.00010.

Submissions (2):

PreventionGenetics, part of Exact Sciences
Classification: Uncertain significance for CACNA1F-related condition. Last evaluated: 2026-03-18. Review status: criteria provided, single submitter. Criteria: ACMG Guidelines, 2015. Collection method: clinical testing. Allele origin: germline.
Comment: The CACNA1F c.1638C>T variant is not predicted to result in an amino acid change (p.=). This variant is predicted to alter splicing based on available splicing prediction programs (SpliceAI, Jaganathan et al. 2019. PubMed ID: 30661751). However, the use of computer prediction programs is not equivalent to functional evidence. To our knowledge, this variant has not been reported in the literature. This variant is reported in 0.0088% of alleles in individuals of European (Non-Finnish) descent in gnomAD. At this time, the clinical significance of this variant is uncertain due to the absence of conclusive functional and genetic evidence.

Labcorp Genetics (formerly Invitae), Labcorp
Classification: Likely benign. Last evaluated: 2025-07-23. Review status: criteria provided, single submitter. Criteria: Invitae Variant Classification Sherloc (09022015). Collection method: clinical testing. Allele origin: germline.

NM_001256789.3(CACNA1F):c.1605C>T (p.Ile535=)

Gene: CACNA1F (calcium voltage-gated channel subunit alpha1 F; minus strand). Cytogenetic location: Xp11.23.
Variant type: single nucleotide variant.
Coding change: c.1605C>T on transcript NM_001256789.3 (MANE Select); coding-DNA position 1605, C replaced by T.
Protein change: p.Ile535=; no amino-acid change (isoleucine 535 retained).
Molecular consequence: synonymous variant.
Genome position (GRCh38, 1-based): chrX:49,225,955, G>A on the plus strand (C>T on the coding strand, the complement: CACNA1F is on the minus strand). VCF-style: chrX-49225955-G-A. GRCh37 (hg19) VCF-style: chrX-49082417-G-A.
Other names: c.1443C>T, p.Ile481= (NM_001256790.3); c.1638C>T, p.Ile546= (NM_005183.4); c.1638C>T (NM_005183.3).
Identifiers: ClinVar variation 1136896 (VCV001136896.10), dbSNP rs376114458, ClinGen allele CA10410819.